The following is an entry in ClinVar:

ClinVar aggregate classification (germline): Likely benign. Review status: criteria provided, multiple submitters, no conflicts (2 of 4 stars). 2 submissions from 2 submitters: Likely benign (2). Last evaluated 2022-07-19.

Conditions:
Autosomal dominant nocturnal frontal lobe epilepsy 5. Also called: Epilepsy, nocturnal frontal lobe, 5; KCNT1-Related Epilepsy; CILIARY DYSKINESIA, PRIMARY, 28, WITHOUT SITUS INVERSUS; CILIARY DYSKINESIA, PRIMARY, 28, WITH SITUS INVERSUS. Identifiers: Orphanet 98784, MedGen C3554306, MONDO:0014002, OMIM 615005.
Developmental and epileptic encephalopathy, 14 (DEE14). Also called: Early infantile epileptic encephalopathy 14. Identifiers: Orphanet 293181, MedGen C3554195, MONDO:0013989, OMIM 614959.

Allele frequency attached by ClinVar (database versions not stated): TOPMed 0.00002; ExAC 0.00004.
gnomAD v4.1: 14 of 1,571,308 alleles (0.00089%); highest among the groups gnomAD compares: African/African-American, 0.0027%; no homozygotes.

Submissions (2):

Labcorp Genetics (formerly Invitae), Labcorp
Classification: Likely benign for Autosomal dominant nocturnal frontal lobe epilepsy 5; Developmental and epileptic encephalopathy, 14. Last evaluated: 2022-07-19. Review status: criteria provided, single submitter. Criteria: Invitae Variant Classification Sherloc (09022015). Collection method: clinical testing. Allele origin: germline.

GeneDx
Classification: Likely benign. Last evaluated: 2018-03-21. Review status: criteria provided, single submitter. Criteria: GeneDx Variant Classification (06012015). Collection method: clinical testing. Allele origin: germline. Affected: yes.
Comment: This variant is considered likely benign or benign based on one or more of the following criteria: it is a conservative change, it occurs at a poorly conserved position in the protein, it is predicted to be benign by multiple in silico algorithms, and/or has population frequency not consistent with disease.

NM_020822.3(KCNT1):c.1779G>A (p.Val593=)

Gene: KCNT1 (potassium sodium-activated channel subfamily T member 1; plus strand). Cytogenetic location: 9q34.3.
Variant type: single nucleotide variant.
Coding change: c.1779G>A on transcript NM_020822.3 (MANE Select); coding-DNA position 1779, G replaced by A.
Protein change: p.Val593=; no amino-acid change (valine 593 retained).
Molecular consequence: synonymous variant.
Genome position (GRCh38, 1-based): chr9:135,770,866, G>A. VCF-style: chr9-135770866-G-A. GRCh37 (hg19) VCF-style: chr9-138662712-G-A.
Other names: c.1644G>A, p.Val548= (NM_001272003.2).
Identifiers: ClinVar variation 681075 (VCV000681075.6), dbSNP rs748744989, ClinGen allele CA5327078.